The following is an entry in ClinVar:

ClinVar aggregate classification (germline): Uncertain significance (1 of 4 stars; one submission).

gnomAD v4.1: 1 of 1,552,732 alleles (0.000064%); highest among the groups gnomAD compares: Non-Finnish European, 0.000087%; no homozygotes.

Submission:

Labcorp Genetics (formerly Invitae), Labcorp
Classification: Uncertain significance. Last evaluated: 2022-05-18. Review status: criteria provided, single submitter. Criteria: Invitae Variant Classification Sherloc (09022015). Collection method: clinical testing. Allele origin: germline.
Comment: This sequence change replaces threonine, which is neutral and polar, with alanine, which is neutral and non-polar, at codon 738 of the MYO18B protein (p.Thr738Ala). In summary, the available evidence is currently insufficient to determine the role of this variant in disease. Therefore, it has been classified as a Variant of Uncertain Significance. Algorithms developed to predict the effect of missense changes on protein structure and function are either unavailable or do not agree on the potential impact of this missense change (SIFT: "Not Available"; PolyPhen-2: "Probably Damaging"; Align-GVGD: "Not Available"). This variant has not been reported in the literature in individuals affected with MYO18B-related conditions. This variant is not present in population databases (gnomAD no frequency).

NM_032608.7(MYO18B):c.2212A>G (p.Thr738Ala)

Gene: MYO18B (myosin XVIIIB; plus strand). Cytogenetic location: 22q12.1.
Variant type: single nucleotide variant.
Coding change: c.2212A>G on transcript NM_032608.7 (MANE Select); coding-DNA position 2212, A replaced by G.
Protein change: p.Thr738Ala; replaces threonine 738 with alanine.
Molecular consequence: missense variant.
Genome position (GRCh38, 1-based): chr22:25,781,734, A>G. VCF-style: chr22-25781734-A-G. GRCh37 (hg19) VCF-style: chr22-26177701-A-G.
Other names: c.2212A>G, p.Thr738Ala (NM_001318245.2); short protein forms T738A.
Identifiers: ClinVar variation 1903152 (VCV001903152.5), dbSNP rs2517744846, ClinGen allele CA410993953.
Genomic context (GRCh38, chr22:25,781,734, plus strand): 5'-TTCAGGCATGTGCAGATGTACCCAAAGCACTGACTGGGTGCCCCTCTTCTCTCCCTGCAG[A>G]CAATGCTTTTGGAGAAGAGCCGCGTGGCACGGCAGCCGGAAGGGGAAAGTAACTTCCTGG-3'
Protein context (NP_115997.5, residues 728-748): TGRITAAQLQ[Thr738Ala]MLLEKSRVAR